The following is an entry in ClinVar:

NM_013276.4(SHPK):c.901A>G (p.Thr301Ala)

Gene: SHPK (sedoheptulokinase; minus strand). Cytogenetic location: 17p13.2.
Variant type: single nucleotide variant.
Coding change: c.901A>G on transcript NM_013276.4 (MANE Select); coding-DNA position 901, A replaced by G.
Protein change: p.Thr301Ala; replaces threonine 301 with alanine.
Molecular consequence: missense variant.
Genome position (GRCh38, 1-based): chr17:3,615,460, T>C on the plus strand (A>G on the coding strand, the complement: SHPK is on the minus strand). VCF-style: chr17-3615460-T-C. GRCh37 (hg19) VCF-style: chr17-3518754-T-C.
Other names: short protein forms T301A.
Identifiers: ClinVar variation 1504737 (VCV001504737.6), dbSNP rs1358029664, ClinGen allele CA397699563.

ClinVar aggregate classification (germline): Uncertain significance (1 of 4 stars; one submission).

Allele frequency attached by ClinVar (database versions not stated): gnomAD exomes below 0.00001; TOPMed below 0.00001.
gnomAD v4.1: 1 of 1,614,030 alleles (0.000062%); highest among the groups gnomAD compares: Admixed American, 0.0017%; no homozygotes.

Submission:

Labcorp Genetics (formerly Invitae), Labcorp
Classification: Uncertain significance. Last evaluated: 2025-09-03. Review status: criteria provided, single submitter. Criteria: Invitae Variant Classification Sherloc (09022015). Collection method: clinical testing. Allele origin: germline.
Comment: This sequence change replaces threonine, which is neutral and polar, with alanine, which is neutral and non-polar, at codon 301 of the SHPK protein (p.Thr301Ala). This variant is not present in population databases (gnomAD no frequency). This variant has not been reported in the literature in individuals affected with SHPK-related conditions. ClinVar contains an entry for this variant (Variation ID: 1504737). An algorithm developed to predict the effect of missense changes on protein structure and function outputs the following: PolyPhen-2: "Benign". The alanine amino acid residue is found in multiple mammalian species, which suggests that this missense change does not adversely affect protein function. In summary, the available evidence is currently insufficient to determine the role of this variant in disease. Therefore, it has been classified as a Variant of Uncertain Significance.